The following is an entry in ClinVar:

ClinVar aggregate classification (germline): Uncertain significance (1 of 4 stars; one submission).

Conditions:
Deficiency of alpha-mannosidase (MANSA). Also called: Alpha-Mannosidosis; LYSOSOMAL ALPHA-D-MANNOSIDASE DEFICIENCY; Mannosidosis, alpha-, types I and II. Identifiers: Orphanet 61, MedGen C0024748, MONDO:0009561, OMIM 248500.

Submission:

Labcorp Genetics (formerly Invitae), Labcorp
Classification: Uncertain significance for Deficiency of alpha-mannosidase. Last evaluated: 2025-05-21. Review status: criteria provided, single submitter. Criteria: Invitae Variant Classification Sherloc (09022015). Collection method: clinical testing. Allele origin: germline.
Comment: This sequence change replaces histidine, which is basic and polar, with aspartic acid, which is acidic and polar, at codon 446 of the MAN2B1 protein (p.His446Asp). This variant is not present in population databases (gnomAD no frequency). This missense change has been observed in individual(s) with alpha mannosidosis (internal data). In at least one individual the data is consistent with being in trans (on the opposite chromosome) from a pathogenic variant. Invitae Evidence Modeling of protein sequence and biophysical properties (such as structural, functional, and spatial information, amino acid conservation, physicochemical variation, residue mobility, and thermodynamic stability) has been performed for this missense variant. However, the output from this modeling did not meet the statistical confidence thresholds required to predict the impact of this variant on MAN2B1 protein function. In summary, the available evidence is currently insufficient to determine the role of this variant in disease. Therefore, it has been classified as a Variant of Uncertain Significance.

NM_000528.4(MAN2B1):c.1336C>G (p.His446Asp)

Gene: MAN2B1 (mannosidase alpha class 2B member 1; minus strand). Cytogenetic location: 19p13.13.
Variant type: single nucleotide variant.
Coding change: c.1336C>G on transcript NM_000528.4 (MANE Select); coding-DNA position 1336, C replaced by G.
Protein change: p.His446Asp; replaces histidine 446 with aspartic acid.
Molecular consequence: missense variant.
Genome position (GRCh38, 1-based): chr19:12,657,529, G>C on the plus strand (C>G on the coding strand, the complement: MAN2B1 is on the minus strand). VCF-style: chr19-12657529-G-C. GRCh37 (hg19) VCF-style: chr19-12768343-G-C.
Other names: c.1333C>G, p.His445Asp (NM_001173498.2); c.1339C>G, p.His447Asp (NM_001440570.1); short protein forms H446D, H447D, H445D.
Identifiers: ClinVar variation 4708428 (VCV004708428.1).
Genomic context (GRCh38, chr19:12,657,529, plus strand): 5'-CAAGCTGGCGCGCGTAGTCGTTGGCCACGTGCTGGCGGGAGGTGCCGCTGACGGCGTCGT[G>C]ATGCTGGAGCACAGCCATCGCCTCATCTGCTCATAGACAATGAGTCCGGTGAGGTTCTGT-3'
Protein context (NP_000519.2, residues 436-456): LNEAMAVLQH[His446Asp]DAVSGTSRQH